The following is an entry in ClinVar:

NM_017909.4(RMND1):c.561G>A (p.Leu187=)

Gene: RMND1 (required for meiotic nuclear division 1 homolog; minus strand). Cytogenetic location: 6q25.1.
Variant type: single nucleotide variant.
Coding change: c.561G>A on transcript NM_017909.4 (MANE Select); coding-DNA position 561, G replaced by A.
Protein change: p.Leu187=; no amino-acid change (leucine 187 retained).
Molecular consequence: synonymous variant.
Genome position (GRCh38, 1-based): chr6:151,436,498, C>T on the plus strand (G>A on the coding strand, the complement: RMND1 is on the minus strand). VCF-style: chr6-151436498-C-T. GRCh37 (hg19) VCF-style: chr6-151757633-C-T.
Other names: c.51G>A, p.Leu17= (NM_001271937.2).
Identifiers: ClinVar variation 680172 (VCV000680172.2), dbSNP rs1582963012, ClinGen allele CA452739536.
Genomic context (GRCh38, chr6:151,436,498, plus strand): 5'-AGAAGTACCTCTAGGCAAGCTTGTTACTTCAACATATCCGTGGGAGGCCAGATCTTGAGA[C>T]AGATTTCCCAGATGATACTCATCTGCCGTTGCAAATGCTGTGCAGTGCATTAGGTCCTGT-3'
Protein context (NP_060379.2, residues 177-197): ATADEYHLGN[Leu187=]SQDLASHGYV

ClinVar aggregate classification (germline): Likely benign. Review status: criteria provided, multiple submitters, no conflicts (2 of 4 stars). 2 submissions from 2 submitters: Likely benign (2). Last evaluated 2022-05-31.

Allele frequency attached by ClinVar (database versions not stated): gnomAD exomes below 0.00001.
gnomAD v4.1: 2 of 1,614,022 alleles (0.00012%); highest among the groups gnomAD compares: Non-Finnish European, 0.00017%; no homozygotes.

Submissions (2):

Blueprint Genetics
Classification: Likely benign. Last evaluated: 2022-05-31. Review status: criteria provided, single submitter. Criteria: ACMG Guidelines, 2015. Collection method: clinical testing. Allele origin: germline.

GeneDx
Classification: Likely benign. Last evaluated: 2018-03-16. Review status: criteria provided, single submitter. Criteria: GeneDx Variant Classification (06012015). Collection method: clinical testing. Allele origin: germline. Affected: yes.
Comment: This variant is considered likely benign or benign based on one or more of the following criteria: it is a conservative change, it occurs at a poorly conserved position in the protein, it is predicted to be benign by multiple in silico algorithms, and/or has population frequency not consistent with disease.